The following is an entry in ClinVar:

ClinVar aggregate classification (germline): Likely pathogenic (1 of 4 stars; one submission).

Conditions:
Retinal cone dystrophy 4 (RCD4). Identifiers: Orphanet 1872, MedGen C1864849, MONDO:0012507, OMIM 610478.

Submission:

Juno Genomics, Hangzhou Juno Genomics, Inc
Classification: Likely pathogenic for Retinal cone dystrophy 4. Review status: criteria provided, single submitter. Criteria: ACMG Guidelines, 2015. Collection method: clinical testing. Allele origin: germline.
Comment: Null variant in a gene where loss of function (LOF) is a known mechanism of disease.;Absent from controls (or at extremely low frequency if recessive) in Genome Aggregation Database.

NM_172364.5(CACNA2D4):c.782-1G>T

Gene: CACNA2D4 (calcium voltage-gated channel auxiliary subunit alpha2delta 4; minus strand). Cytogenetic location: 12p13.33.
Variant type: single nucleotide variant.
Coding change: c.782-1G>T on transcript NM_172364.5 (MANE Select); the canonical splice acceptor site of the intron before coding-DNA position 782, G replaced by T.
Molecular consequence: splice acceptor variant.
Genome position (GRCh38, 1-based): chr12:1,887,070, C>A on the plus strand (G>T on the coding strand, the complement: CACNA2D4 is on the minus strand). VCF-style: chr12-1887070-C-A. GRCh37 (hg19) VCF-style: chr12-1996236-C-A.
Identifiers: ClinVar variation 5005072 (VCV005005072.2).